The following is an entry in ClinVar:

NM_001905.4(CTPS1):c.607G>C (p.Glu203Gln)

Gene: CTPS1 (CTP synthase 1; plus strand). Cytogenetic location: 1p34.2.
Variant type: single nucleotide variant.
Coding change: c.607G>C on transcript NM_001905.4 (MANE Select); coding-DNA position 607, G replaced by C.
Protein change: p.Glu203Gln; replaces glutamic acid 203 with glutamine.
Molecular consequence: missense variant. On other transcripts: non-coding transcript variant (1).
Genome position (GRCh38, 1-based): chr1:40,991,216, G>C. VCF-style: chr1-40991216-G-C. GRCh37 (hg19) VCF-style: chr1-41456888-G-C.
Other names: c.139G>C, p.Glu47Gln (NM_001301237.2); short protein forms E203Q, E47Q.
Identifiers: ClinVar variation 644321 (VCV000644321.6), dbSNP rs1433781145, ClinGen allele CA339903232.

ClinVar aggregate classification (germline): Uncertain significance (1 of 4 stars; one submission).

Conditions:
Combined immunodeficiency due to CTPS1 deficiency. Also called: Immunodeficiency 24; Severe combined immunodeficiency due to CTPS1 deficiency. Identifiers: Orphanet 420573, MedGen C4014617, MONDO:0014391, OMIM 615897.

Allele frequency attached by ClinVar (database versions not stated): gnomAD 0.00001; TOPMed 0.00002.
gnomAD v4.1: 7 of 1,592,344 alleles (0.00044%); highest among the groups gnomAD compares: Non-Finnish European, 0.0006%; no homozygotes.

Submission:

Labcorp Genetics (formerly Invitae), Labcorp
Classification: Uncertain significance for Combined immunodeficiency due to CTPS1 deficiency. Last evaluated: 2021-08-27. Review status: criteria provided, single submitter. Criteria: Invitae Variant Classification Sherloc (09022015). Collection method: clinical testing. Allele origin: germline.
Comment: This sequence change replaces glutamic acid with glutamine at codon 203 of the CTPS1 protein (p.Glu203Gln). The glutamic acid residue is highly conserved and there is a small physicochemical difference between glutamic acid and glutamine. This variant is not present in population databases (ExAC no frequency). This variant has not been reported in the literature in individuals affected with CTPS1-related conditions. Algorithms developed to predict the effect of missense changes on protein structure and function are either unavailable or do not agree on the potential impact of this missense change (SIFT: "Deleterious"; PolyPhen-2: "Benign"; Align-GVGD: "Class C0"). In summary, the available evidence is currently insufficient to determine the role of this variant in disease. Therefore, it has been classified as a Variant of Uncertain Significance.